The following is an entry in ClinVar:

ClinVar aggregate classification (germline): Pathogenic (1 of 4 stars; one submission).

Conditions:
Arrhythmogenic cardiomyopathy with wooly hair and keratoderma. Also called: PALMOPLANTAR KERATODERMA WITH LEFT VENTRICULAR CARDIOMYOPATHY AND WOOLLY HAIR; Arrhythmogenic cardiomyopathy with woolly hair and keratoderma; Carvajal syndrome; Dilated cardiomyopathy with woolly hair and keratoderma. Identifiers: Orphanet 65282, MedGen C1854063, MONDO:0011581, OMIM 605676.
Arrhythmogenic right ventricular dysplasia 8 (ARVD8). Also called: ARRHYTHMOGENIC RIGHT VENTRICULAR DYSPLASIA, FAMILIAL, 8; Arrhythmogenic Right Ventricular Dysplasia/Cardiomyopathy 8; ARRHYTHMOGENIC RIGHT VENTRICULAR CARDIOMYOPATHY 8. Identifiers: MedGen C1843896, MONDO:0011831, OMIM 607450.

Submission:

Labcorp Genetics (formerly Invitae), Labcorp
Classification: Pathogenic for Arrhythmogenic cardiomyopathy with wooly hair and keratoderma; Arrhythmogenic right ventricular dysplasia 8. Last evaluated: 2024-01-25. Review status: criteria provided, single submitter. Criteria: Invitae Variant Classification Sherloc (09022015). Collection method: clinical testing. Allele origin: unknown.
Comment: This variant results in the deletion of part of exon 24 (c.5671_*1792delinsAGAACAGTCTT) of the DSP gene. While this deletion is not anticipated to lead to nonsense mediated decay, it is expected to alter mRNA translation or result in a truncated protein product. This variant has not been reported in the literature in individuals affected with DSP-related conditions. This variant disrupts a region of the DSP protein in which other variant(s) (p.Thr2634Lysfs*4, p.Gln2765Alafs*23, p.Thr2733Serfs*14, p.Lys2693Profs*3) have been determined to be pathogenic (PMID: 11063735, 21859740, 28527814). This suggests that this is a clinically significant region of the protein, and that variants that disrupt it are likely to be disease-causing. For these reasons, this variant has been classified as Pathogenic.

Literature cited by the submitters: PubMed 11063735; PubMed 21859740; PubMed 28527814.

NC_000006.11:g.(?_7583166)_(7587903_?)del

Gene: DSP (desmoplakin; plus strand). Cytogenetic location: 6p24.3.
Variant type: Deletion.
Identifiers: ClinVar variation 3246003 (VCV003246003.1).